The following is an entry in ClinVar:

ClinVar aggregate classification (germline): Uncertain significance. Review status: criteria provided, multiple submitters, no conflicts (2 of 4 stars). 2 submissions from 2 submitters: Uncertain significance (2). Last evaluated 2024-03-15.

Conditions:
Rhabdoid tumor predisposition syndrome 2 (RTPS2). Identifiers: Orphanet 231108, Orphanet 69077, MedGen C2750074, MONDO:0013224, OMIM 613325.
Hereditary cancer-predisposing syndrome. Also called: Neoplastic Syndromes, Hereditary; Tumor predisposition; Hereditary Cancer Syndrome; Hereditary neoplastic syndrome. Identifiers: Orphanet 140162, MedGen C0027672, MeSH D009386, MONDO:0015356.

Allele frequency attached by ClinVar (database versions not stated): gnomAD exomes below 0.00001; TOPMed below 0.00001.
gnomAD v4.1: 6 of 1,611,324 alleles (0.00037%); highest among the groups gnomAD compares: Non-Finnish European, 0.00051%; no homozygotes.

Submissions (2):

Ambry Genetics
Classification: Uncertain significance for Hereditary cancer-predisposing syndrome. Last evaluated: 2024-03-15. Review status: criteria provided, single submitter. Criteria: Ambry Variant Classification Scheme 2023. Collection method: clinical testing. Allele origin: germline.
Comment: The p.H40R variant (also known as c.119A>G), located in coding exon 1 of the SMARCA4 gene, results from an A to G substitution at nucleotide position 119. The histidine at codon 40 is replaced by arginine, an amino acid with highly similar properties. This amino acid position is highly conserved in available vertebrate species. In addition, the in silico prediction for this alteration is inconclusive. Based on the available evidence, the clinical significance of this alteration remains unclear.

Labcorp Genetics (formerly Invitae), Labcorp
Classification: Uncertain significance for Rhabdoid tumor predisposition syndrome 2. Last evaluated: 2023-01-17. Review status: criteria provided, single submitter. Criteria: Invitae Variant Classification Sherloc (09022015). Collection method: clinical testing. Allele origin: germline.
Comment: Advanced modeling of protein sequence and biophysical properties (such as structural, functional, and spatial information, amino acid conservation, physicochemical variation, residue mobility, and thermodynamic stability) has been performed at Invitae for this missense variant, however the output from this modeling did not meet the statistical confidence thresholds required to predict the impact of this variant on SMARCA4 protein function. ClinVar contains an entry for this variant (Variation ID: 484917). This variant has not been reported in the literature in individuals affected with SMARCA4-related conditions. This variant is present in population databases (no rsID available, gnomAD 0.001%). This sequence change replaces histidine, which is basic and polar, with arginine, which is basic and polar, at codon 40 of the SMARCA4 protein (p.His40Arg). In summary, the available evidence is currently insufficient to determine the role of this variant in disease. Therefore, it has been classified as a Variant of Uncertain Significance.

NM_003072.5(SMARCA4):c.119A>G (p.His40Arg)

Gene: SMARCA4 (SWI/SNF related BAF chromatin remodeling complex subunit ATPase 4; plus strand). Cytogenetic location: 19p13.2.
Variant type: single nucleotide variant.
Coding change: c.119A>G on transcript NM_003072.5 (MANE Select); coding-DNA position 119, A replaced by G.
Protein change: p.His40Arg; replaces histidine 40 with arginine.
Molecular consequence: missense variant. On other transcripts: non-coding transcript variant (1).
Genome position (GRCh38, 1-based): chr19:10,984,270, A>G. VCF-style: chr19-10984270-A-G. GRCh37 (hg19) VCF-style: chr19-11094946-A-G.
Other names: c.119A>G, p.His40Arg (NM_001128844.3, NM_001128845.2, NM_001128846.2 and 5 more transcripts); short protein forms H40R.
Identifiers: ClinVar variation 484917 (VCV000484917.12), dbSNP rs1178566757, ClinGen allele CA404054303.